The following is an entry in ClinVar:

ClinVar aggregate classification (germline): Pathogenic (1 of 4 stars; one submission).

Submission:

Labcorp Genetics (formerly Invitae), Labcorp
Classification: Pathogenic. Last evaluated: 2022-04-18. Review status: criteria provided, single submitter. Criteria: Invitae Variant Classification Sherloc (09022015). Collection method: clinical testing. Allele origin: germline.
Comment: This sequence change creates a premature translational stop signal (p.Gln1037*) in the NEXMIF gene. It is expected to result in an absent or disrupted protein product. Loss-of-function variants in NEXMIF are known to be pathogenic (PMID: 23615299). For these reasons, this variant has been classified as Pathogenic. This variant has not been reported in the literature in individuals affected with NEXMIF-related conditions. This variant is not present in population databases (gnomAD no frequency).

Literature cited by the submitters: PubMed 23615299.

NM_001008537.3(NEXMIF):c.3109C>T (p.Gln1037Ter)

Gene: NEXMIF (neurite extension and migration factor; minus strand). Cytogenetic location: Xq13.3.
Variant type: single nucleotide variant.
Coding change: c.3109C>T on transcript NM_001008537.3 (MANE Select); coding-DNA position 3109, C replaced by T.
Protein change: p.Gln1037Ter; replaces glutamine 1037 with a stop codon.
Molecular consequence: nonsense.
Genome position (GRCh38, 1-based): chrX:74,741,448, G>A on the plus strand (C>T on the coding strand, the complement: NEXMIF is on the minus strand). VCF-style: chrX-74741448-G-A. GRCh37 (hg19) VCF-style: chrX-73961283-G-A.
Other names: short protein forms Q1037*.
Identifiers: ClinVar variation 2125479 (VCV002125479.4), dbSNP rs2519912815, ClinGen allele CA413666694.